The following is an entry in ClinVar:

NM_005502.4(ABCA1):c.6204G>C (p.Leu2068=)

Genes: NIPSNAP3B (nipsnap homolog 3B; plus strand), ABCA1 (ATP binding cassette subfamily A member 1; minus strand). Cytogenetic location: 9q31.1.
Variant type: single nucleotide variant.
Coding change: c.6204G>C on transcript NM_005502.4 (MANE Select); coding-DNA position 6204, G replaced by C.
Protein change: p.Leu2068=; no amino-acid change (leucine 2068 retained).
Molecular consequence: synonymous variant.
Genome position (GRCh38, 1-based): chr9:104,787,920, C>G on the plus strand (G>C on the coding strand, the complement: ABCA1 is on the minus strand). VCF-style: chr9-104787920-C-G. GRCh37 (hg19) VCF-style: chr9-107550201-C-G.
Other names: c.6204G>C (NM_005502.3).
Identifiers: ClinVar variation 2159476 (VCV002159476.2), dbSNP rs947401662, ClinGen allele CA197352535.
Genomic context (GRCh38, chr9:104,787,920, plus strand): 5'-GAACAGTCATGTTTTCCACTCAGGCCAGAACAACAGTTTTCCATCCACAGTTATACTCAC[C>G]AGAAACACCACAGGAGGCCCGCCGATCAAAGCCATGGCTGTAGAGAGCTTGCGTTTGTTG-3'
Protein context (NP_005493.2, residues 2058-2078): ALIGGPPVVF[Leu2068=]DEPTTGMDPK

ClinVar aggregate classification (germline): Uncertain significance. Review status: criteria provided, multiple submitters, no conflicts (2 of 4 stars). 2 submissions from 2 submitters: Uncertain significance (2). Last evaluated 2025-08-18.

Conditions:
Cardiovascular phenotype. Identifiers: MedGen CN230736.

Allele frequency attached by ClinVar (database versions not stated): gnomAD 0.00001; gnomAD exomes 0.00002.
gnomAD v4.1: 25 of 1,613,904 alleles (0.0015%); highest among the groups gnomAD compares: Non-Finnish European, 0.0019%; no homozygotes.

Submissions (2):

Ambry Genetics
Classification: Uncertain significance for Cardiovascular phenotype. Last evaluated: 2025-08-18. Review status: criteria provided, single submitter. Criteria: Ambry Variant Classification Scheme 2023. Collection method: clinical testing. Allele origin: germline.
Comment: The c.6204G>C variant (also known as p.L2068L) is located in coding exon 45 of the ABCA1 gene. This variant results from a G to C substitution at nucleotide position 6204. This nucleotide substitution does not change the amino acid at codon 2068. However, this change occurs in the last base pair of coding exon 45, which makes it likely to have some effect on normal mRNA splicing. This variant was reported compound heterozygous with a frameshift variant in an individual with features consistent with severe HDL deficiency (Geller AS et al. J Lipid Res, 2018 Dec;59:2421-2435). This nucleotide position is highly conserved in available vertebrate species. In silico splice site analysis predicts that this alteration will not have any significant effect on splicing. Based on the available evidence, the clinical significance of this variant remains unclear.

Labcorp Genetics (formerly Invitae), Labcorp
Classification: Uncertain significance. Last evaluated: 2022-06-10. Review status: criteria provided, single submitter. Criteria: Invitae Variant Classification Sherloc (09022015). Collection method: clinical testing. Allele origin: germline.
Comment: This sequence change affects codon 2068 of the ABCA1 mRNA. It is a 'silent' change, meaning that it does not change the encoded amino acid sequence of the ABCA1 protein. This variant also falls at the last nucleotide of exon 46, which is part of the consensus splice site for this exon. This variant is present in population databases (no rsID available, gnomAD 0.005%). This variant has been observed in individual(s) with clinical features of ABCA1-related conditions (PMID: 30333156). Variants that disrupt the consensus splice site are a relatively common cause of aberrant splicing (PMID: 17576681, 9536098). Algorithms developed to predict the effect of sequence changes on RNA splicing suggest that this variant is not likely to affect RNA splicing. In summary, the available evidence is currently insufficient to determine the role of this variant in disease. Therefore, it has been classified as a Variant of Uncertain Significance.

Literature cited by the submitters: PubMed 30333156 (cited by Ambry Genetics and Labcorp Genetics (formerly Invitae), Labcorp); PubMed 17576681 (cited by Labcorp Genetics (formerly Invitae), Labcorp); PubMed 9536098 (cited by Labcorp Genetics (formerly Invitae), Labcorp).